The following is an entry in ClinVar:

NM_005732.4(RAD50):c.244A>G (p.Ile82Val)

Gene: RAD50 (RAD50 double strand break repair protein; plus strand). Cytogenetic location: 5q31.1.
Variant type: single nucleotide variant.
Coding change: c.244A>G on transcript NM_005732.4 (MANE Select); coding-DNA position 244, A replaced by G.
Protein change: p.Ile82Val; replaces isoleucine 82 with valine.
Molecular consequence: missense variant.
Genome position (GRCh38, 1-based): chr5:132,575,807, A>G. VCF-style: chr5-132575807-A-G. GRCh37 (hg19) VCF-style: chr5-131911499-A-G.
Other names: short protein forms I82V.
Identifiers: ClinVar variation 1473358 (VCV001473358.8), dbSNP rs2149836370, ClinGen allele CA360930408.

ClinVar aggregate classification (germline): Uncertain significance (1 of 4 stars; one submission).

Conditions:
Hereditary cancer-predisposing syndrome. Also called: Neoplastic Syndromes, Hereditary; Hereditary Cancer Syndrome; Tumor predisposition; Hereditary neoplastic syndrome. Identifiers: Orphanet 140162, MedGen C0027672, MeSH D009386, MONDO:0015356.

Submission:

Labcorp Genetics (formerly Invitae), Labcorp
Classification: Uncertain significance for Hereditary cancer-predisposing syndrome. Last evaluated: 2020-11-11. Review status: criteria provided, single submitter. Criteria: Invitae Variant Classification Sherloc (09022015). Collection method: clinical testing. Allele origin: germline.
Comment: This variant has not been reported in the literature in individuals with RAD50-related conditions. This sequence change replaces isoleucine with valine at codon 82 of the RAD50 protein (p.Ile82Val). The isoleucine residue is highly conserved and there is a small physicochemical difference between isoleucine and valine. This variant is not present in population databases (ExAC no frequency). Algorithms developed to predict the effect of missense changes on protein structure and function (SIFT, PolyPhen-2, Align-GVGD) all suggest that this variant is likely to be tolerated, but these predictions have not been confirmed by published functional studies and their clinical significance is uncertain. Algorithms developed to predict the effect of sequence changes on RNA splicing suggest that this variant may create or strengthen a splice site, but this prediction has not been confirmed by published transcriptional studies. In summary, the available evidence is currently insufficient to determine the role of this variant in disease. Therefore, it has been classified as a Variant of Uncertain Significance.